The following is an entry in ClinVar:

NM_000051.4(ATM):c.5780T>A (p.Ile1927Asn)

Genes: ATM (ATM serine/threonine kinase; plus strand), C11orf65 (chromosome 11 open reading frame 65; minus strand). Cytogenetic location: 11q22.3.
Variant type: single nucleotide variant.
Coding change: c.5780T>A on transcript NM_000051.4 (MANE Select); coding-DNA position 5780, T replaced by A.
Protein change: p.Ile1927Asn; replaces isoleucine 1927 with asparagine.
Molecular consequence: missense variant. On other transcripts: intron variant (2).
Genome position (GRCh38, 1-based): chr11:108,310,177, T>A. VCF-style: chr11-108310177-T-A. GRCh37 (hg19) VCF-style: chr11-108180904-T-A.
Other names: c.5780T>A, p.Ile1927Asn (NM_001351834.2); c.641-1106A>T (NM_001330368.2); c.*39-1106A>T (NM_001351110.2); short protein forms I1927N.
Identifiers: ClinVar variation 3802105 (VCV003802105.1).
Genomic context (GRCh38, chr11:108,310,177, plus strand): 5'-AAGTTTAAAAAAGTGAATGACATTATATCTCATTTTTCTTTAGACCTTCTTCAGGAACAA[T>A]TTTTAATGATGCTTTCTGGCTGGATTTAAATTATCTAGAAGTTGCCAAGGTAGCTCAGTC-3'
Protein context (NP_000042.3, residues 1917-1937): RRQKRPSSGT[Ile1927Asn]FNDAFWLDLN

ClinVar aggregate classification (germline): Uncertain significance (1 of 4 stars; one submission).

Conditions:
Hereditary cancer-predisposing syndrome. Also called: Neoplastic Syndromes, Hereditary; Tumor predisposition; Hereditary Cancer Syndrome; Hereditary neoplastic syndrome. Identifiers: Orphanet 140162, MedGen C0027672, MeSH D009386, MONDO:0015356.

Submission:

Ambry Genetics
Classification: Uncertain significance for Hereditary cancer-predisposing syndrome. Last evaluated: 2025-01-20. Review status: criteria provided, single submitter. Criteria: Ambry Variant Classification Scheme 2023. Collection method: clinical testing. Allele origin: germline.
Comment: The p.I1927N variant (also known as c.5780T>A), located in coding exon 38 of the ATM gene, results from a T to A substitution at nucleotide position 5780. The isoleucine at codon 1927 is replaced by asparagine, an amino acid with dissimilar properties. This amino acid position is conserved. In addition, this alteration is predicted to be tolerated by in silico analysis. Based on the available evidence, the clinical significance of this variant remains unclear.